The following is an entry in ClinVar:

NM_012469.4(PRPF6):c.2460C>T (p.Leu820=)

Gene: PRPF6 (pre-mRNA processing factor 6; plus strand). Cytogenetic location: 20q13.33.
Variant type: single nucleotide variant.
Coding change: c.2460C>T on transcript NM_012469.4 (MANE Select); coding-DNA position 2460, C replaced by T.
Protein change: p.Leu820=; no amino-acid change (leucine 820 retained).
Molecular consequence: synonymous variant.
Genome position (GRCh38, 1-based): chr20:64,029,405, C>T. VCF-style: chr20-64029405-C-T. GRCh37 (hg19) VCF-style: chr20-62660758-C-T.
Identifiers: ClinVar variation 339484 (VCV000339484.15), dbSNP rs61736635, ClinGen allele CA9972497.

ClinVar aggregate classification (germline): Benign/Likely benign. Review status: criteria provided, multiple submitters, no conflicts (2 of 4 stars). 3 submissions from 3 submitters: Benign (2); Likely benign (1). Last evaluated 2026-01-19.

Conditions:
Retinitis pigmentosa (RP). Identifiers: Orphanet 791, MedGen C0035334, MeSH D012174, MONDO:0019200, OMIM 268000. Inheritance: Autosomal dominant, autosomal recessive and X linked inheritance.

Allele frequency attached by ClinVar (database versions not stated): gnomAD exomes 0.00037 and 0.00106; ExAC 0.00132; 1000 Genomes Project 30x 0.00390; 1000 Genomes Project 0.00419; ESP Exome Variant Server 0.00454; gnomAD 0.00455 and 0.00481; TOPMed 0.00479.
gnomAD v4.1: 1,253 of 1,614,150 alleles (0.078%); highest among the groups gnomAD compares: African/African-American, 1.5%; 8 homozygotes.

Submissions (3):

Labcorp Genetics (formerly Invitae), Labcorp
Classification: Benign. Last evaluated: 2026-01-19. Review status: criteria provided, single submitter. Criteria: Invitae Variant Classification Sherloc (09022015). Collection method: clinical testing. Allele origin: germline.

Blueprint Genetics
Classification: Likely benign. Last evaluated: 2024-06-27. Review status: criteria provided, single submitter. Criteria: ACMG Guidelines, 2015. Collection method: clinical testing. Allele origin: germline.

Illumina Laboratory Services, Illumina
Classification: Benign for Retinitis pigmentosa. Last evaluated: 2018-01-12. Review status: criteria provided, single submitter. Criteria: ICSL Variant Classification Criteria 13 December 2019. Collection method: clinical testing. Allele origin: germline.
Comment: This variant was observed in the ICSL laboratory as part of a predisposition screen in an ostensibly healthy population. It had not been previously curated by ICSL or reported in the Human Gene Mutation Database (HGMD: prior to June 1st, 2018), and was therefore a candidate for classification through an automated scoring system. Utilizing variant allele frequency, disease prevalence and penetrance estimates, and inheritance mode, an automated score was calculated to assess if this variant is too frequent to cause the disease. Based on the score and internal cut-off values, a variant classified as benign is not then subjected to further curation. The score for this variant resulted in a classification of benign for this disease.